The following is an entry in ClinVar:

NM_000277.3(PAH):c.1027T>A (p.Tyr343Asn)

Gene: PAH (phenylalanine hydroxylase; minus strand). Cytogenetic location: 12q23.2.
Variant type: single nucleotide variant.
Coding change: c.1027T>A on transcript NM_000277.3 (MANE Select); coding-DNA position 1027, T replaced by A.
Protein change: p.Tyr343Asn; replaces tyrosine 343 with asparagine.
Molecular consequence: missense variant.
Genome position (GRCh38, 1-based): chr12:102,844,374, A>T on the plus strand (T>A on the coding strand, the complement: PAH is on the minus strand). VCF-style: chr12-102844374-A-T. GRCh37 (hg19) VCF-style: chr12-103238152-A-T.
Other names: c.1027T>A, p.Tyr343Asn (NM_001354304.2); short protein forms Y343N.
Identifiers: ClinVar variation 932256 (VCV000932256.1), dbSNP rs62508651, ClinGen allele CA16020919.

ClinVar aggregate classification (germline): Likely pathogenic (3 of 4 stars; one submission).

Conditions:
Phenylketonuria (PKU). Also called: OLIGOPHRENIA PHENYLPYRUVICA; Phenylketonurias; Phenylketonuria (PKU); FOLLING DISEASE. Identifiers: Orphanet 716, MedGen C0031485, MONDO:0009861, OMIM 261600. Disease mechanism: loss of function.

Submission:

ClinGen PAH Variant Curation Expert Panel
Classification: Likely pathogenic for Phenylketonuria. Last evaluated: 2020-06-18. Review status: reviewed by expert panel. Criteria: ClinGen PAH ACMG Specifications v1. Collection method: curation. Allele origin: germline. Inheritance: Autosomal recessive inheritance.
Comment: The c.1027T>A (p.Tyr343Asn) variant in PAH has been reported in multiple individuals with PKU (PMID: 10356314) detected with pathogenic variants p.R158Q and p.E280K. This variant is absent in population databases. Computational evidence supports a deleterious effect. In summary, this variant meets criteria to be classified as likely pathogenic for PAH. PAH-specific ACMG/AMP criteria applied: PM2, PM3, PP3, PP4.

Literature cited by the submitters: PubMed 10356314.